The following is an entry in ClinVar:

ClinVar aggregate classification (germline): Uncertain significance (1 of 4 stars; one submission).

Conditions:
Methylmalonic aciduria and homocystinuria type cblF. Also called: VITAMIN B12 LYSOSOMAL RELEASE DEFECT; VITAMIN B12 STORAGE DISEASE; COBALAMIN F DISEASE; COBALAMIN, DEFECT IN LYSOSOMAL RELEASE OF; METHYLMALONIC ACIDEMIA AND HOMOCYSTINURIA, cblF TYPE; METHYLMALONIC ACIDURIA DUE TO VITAMIN B12-RELEASE DEFECT. Identifiers: Orphanet 79284, MedGen C1848578, MONDO:0010183, OMIM 277380.

Allele frequency attached by ClinVar (database versions not stated): gnomAD exomes below 0.00001; TOPMed 0.00001; gnomAD 0.00002.
gnomAD v4.1: 7 of 1,570,740 alleles (0.00045%); highest among the groups gnomAD compares: Non-Finnish European, 0.00061%; no homozygotes.

Submission:

Labcorp Genetics (formerly Invitae), Labcorp
Classification: Uncertain significance for Methylmalonic aciduria and homocystinuria type cblF. Last evaluated: 2024-05-06. Review status: criteria provided, single submitter. Criteria: Invitae Variant Classification Sherloc (09022015). Collection method: clinical testing. Allele origin: germline.
Comment: This sequence change replaces isoleucine, which is neutral and non-polar, with threonine, which is neutral and polar, at codon 449 of the LMBRD1 protein (p.Ile449Thr). This variant is present in population databases (no rsID available, gnomAD 0.007%). This variant has not been reported in the literature in individuals affected with LMBRD1-related conditions. ClinVar contains an entry for this variant (Variation ID: 1403521). Advanced modeling of protein sequence and biophysical properties (such as structural, functional, and spatial information, amino acid conservation, physicochemical variation, residue mobility, and thermodynamic stability) performed at Invitae indicates that this missense variant is not expected to disrupt LMBRD1 protein function with a negative predictive value of 80%. In summary, the available evidence is currently insufficient to determine the role of this variant in disease. Therefore, it has been classified as a Variant of Uncertain Significance.

NM_018368.4(LMBRD1):c.1346T>C (p.Ile449Thr)

Gene: LMBRD1 (LMBR1 domain containing 1; minus strand). Cytogenetic location: 6q13.
Variant type: single nucleotide variant.
Coding change: c.1346T>C on transcript NM_018368.4 (MANE Select); coding-DNA position 1346, T replaced by C.
Protein change: p.Ile449Thr; replaces isoleucine 449 with threonine.
Molecular consequence: missense variant.
Genome position (GRCh38, 1-based): chr6:69,697,634, A>G on the plus strand (T>C on the coding strand, the complement: LMBRD1 is on the minus strand). VCF-style: chr6-69697634-A-G. GRCh37 (hg19) VCF-style: chr6-70407526-A-G.
Other names: c.1127T>C, p.Ile376Thr (NM_001363722.2, NM_001367271.1, NM_001367272.1); short protein forms I449T, I376T.
Identifiers: ClinVar variation 1403521 (VCV001403521.7), dbSNP rs1340799992, ClinGen allele CA364663455.